The following is an entry in ClinVar:

NM_015450.3(POT1):c.376A>G (p.Thr126Ala)

Gene: POT1 (protection of telomeres 1; minus strand). Cytogenetic location: 7q31.33.
Variant type: single nucleotide variant.
Coding change: c.376A>G on transcript NM_015450.3 (MANE Select); coding-DNA position 376, A replaced by G.
Protein change: p.Thr126Ala; replaces threonine 126 with alanine.
Molecular consequence: missense variant. On other transcripts: 5 prime UTR variant (1), non-coding transcript variant (3).
Genome position (GRCh38, 1-based): chr7:124,863,520, T>C on the plus strand (A>G on the coding strand, the complement: POT1 is on the minus strand). VCF-style: chr7-124863520-T-C. GRCh37 (hg19) VCF-style: chr7-124503574-T-C.
Other names: c.-18A>G (NM_001042594.2); short protein forms T126A.
Identifiers: ClinVar variation 1734739 (VCV001734739.9), dbSNP rs1795649406, ClinGen allele CA369059725.

ClinVar aggregate classification (germline): Uncertain significance. Review status: criteria provided, multiple submitters, no conflicts (2 of 4 stars). 3 submissions from 3 submitters: Uncertain significance (3). Last evaluated 2024-12-12.

Conditions:
Hereditary cancer-predisposing syndrome. Also called: Hereditary Cancer Syndrome; Hereditary neoplastic syndrome; Neoplastic Syndromes, Hereditary; Tumor predisposition. Identifiers: Orphanet 140162, MedGen C0027672, MeSH D009386, MONDO:0015356.
Tumor predisposition syndrome 3 (TPDS3). Also called: Melanoma, cutaneous malignant, susceptibility to, 10; Glioma susceptibility 9; LONG TELOMERE SYNDROME, POT1-RELATED; POT1 Tumor Predisposition. Identifiers: Orphanet 618, MedGen C4014476, MONDO:0014368, OMIM 615848.

Allele frequency attached by ClinVar (database versions not stated): gnomAD exomes below 0.00001; gnomAD 0.00001.
gnomAD v4.1: 6 of 1,613,840 alleles (0.00037%); highest among the groups gnomAD compares: South Asian, 0.0022%; no homozygotes.

Submissions (3):

Ambry Genetics
Classification: Uncertain significance for Hereditary cancer-predisposing syndrome. Last evaluated: 2024-12-12. Review status: criteria provided, single submitter. Criteria: Ambry Variant Classification Scheme 2023. Collection method: clinical testing. Allele origin: germline.
Comment: The p.T126A variant (also known as c.376A>G), located in coding exon 4 of the POT1 gene, results from an A to G substitution at nucleotide position 376. The threonine at codon 126 is replaced by alanine, an amino acid with similar properties. This amino acid position is conserved. In addition, this alteration is predicted to be tolerated by in silico analysis. Since supporting evidence is limited at this time, the clinical significance of this alteration remains unclear.

GeneDx
Classification: Uncertain significance. Last evaluated: 2022-08-18. Review status: criteria provided, single submitter. Criteria: GeneDx Variant Classification Process June 2021. Collection method: clinical testing. Allele origin: germline. Affected: yes.
Comment: Not observed at significant frequency in large population cohorts (gnomAD); In silico analysis supports that this missense variant does not alter protein structure/function; Has not been previously published as pathogenic or benign to our knowledge; This variant is associated with the following publications: (PMID: 28393830)

Labcorp Genetics (formerly Invitae), Labcorp
Classification: Uncertain significance for Tumor predisposition syndrome 3. Last evaluated: 2022-02-08. Review status: criteria provided, single submitter. Criteria: Invitae Variant Classification Sherloc (09022015). Collection method: clinical testing. Allele origin: germline.
Comment: In summary, the available evidence is currently insufficient to determine the role of this variant in disease. Therefore, it has been classified as a Variant of Uncertain Significance. Algorithms developed to predict the effect of missense changes on protein structure and function (SIFT, PolyPhen-2, Align-GVGD) all suggest that this variant is likely to be tolerated. This variant has not been reported in the literature in individuals affected with POT1-related conditions. This variant is not present in population databases (gnomAD no frequency). This sequence change replaces threonine, which is neutral and polar, with alanine, which is neutral and non-polar, at codon 126 of the POT1 protein (p.Thr126Ala).